The following is an entry in ClinVar:

ClinVar aggregate classification (germline): Pathogenic. Review status: reviewed by expert panel (3 of 4 stars). 2 submissions from 2 submitters: Pathogenic (1). 1 of the submissions does not count toward it. Last evaluated 2017-12-15.

Conditions:
Breast-ovarian cancer, familial, susceptibility to, 2 (BROVCA2). Also called: BRCA2 Hereditary Breast and Ovarian Cancer. Identifiers: Orphanet 145, MedGen C2675520, MONDO:0012933, OMIM 612555. Disease mechanism: loss of function.

Submissions (2):

Evidence-based Network for the Interpretation of Germline Mutant Alleles (ENIGMA)
Classification: Pathogenic for Breast-ovarian cancer, familial, susceptibility to, 2. Last evaluated: 2017-12-15. Review status: reviewed by expert panel. Criteria: ENIGMA BRCA1/2 Classification Criteria (2017-06-29). Collection method: curation. Allele origin: germline. Study: ENIGMA.
Comment: Variant allele predicted to encode a truncated non-functional protein.

Genologica Medica
Classification: Pathogenic for Breast-ovarian cancer, familial, susceptibility to, 2. Last evaluated: 2017-01-01. Review status: criteria provided, single submitter. Criteria: ACMG Guidelines, 2015. Collection method: clinical testing. Allele origin: germline. Affected: yes. Not counted in ClinVar's aggregate classification.

NM_000059.4(BRCA2):c.6650_6654del (p.Lys2217fs)

Gene: BRCA2 (BRCA2 DNA repair associated; plus strand). Cytogenetic location: 13q13.1.
Variant type: Deletion.
Coding change: c.6650_6654del on transcript NM_000059.4 (MANE Select); coding-DNA positions 6650 to 6654, 5 bases deleted (AAGAT; older notation c.6650_6654delAAGAT).
Protein change: p.Lys2217fs; shifts the reading frame from lysine 2217.
Molecular consequence: frameshift variant.
Genome position (GRCh38, 1-based): chr13:32,341,005-32,341,009, AAGAT deleted. VCF-style (leftmost placement, unchanged base first): chr13-32341004-AAAGAT-A. GRCh37 (hg19) VCF-style: chr13-32915141-AAAGAT-A.
Other names: c.6650_6654delAAGAT (NM_000059.3); short protein forms K2217fs.
Identifiers: ClinVar variation 427241 (VCV000427241.1), dbSNP rs1085308037, ClinGen allele CA645294074.
Genomic context (GRCh38, chr13:32,341,004, plus strand): 5'-ACTGAAACTTTTTCTGATGTTCCTGTGAAAACAAATATAGAAGTTTGTTCTACTTACTCC[AAAGAT>A]TCAGAAAACTACTTTGAAACAGAAGCAGTAGAAATTGCTAAAGCTTTTATGGAAGATGAT-3'